The following is an entry in ClinVar:

ClinVar aggregate classification (germline): Uncertain significance (1 of 4 stars; one submission).

Allele frequency attached by ClinVar (database versions not stated): gnomAD exomes below 0.00001; ExAC 0.00001; gnomAD 0.00001.
gnomAD v4.1: 2 of 1,614,054 alleles (0.00012%); highest among the groups gnomAD compares: Non-Finnish European, 0.00017%; no homozygotes.

Submission:

Women's Health and Genetics/Laboratory Corporation of America, LabCorp
Classification: Uncertain significance. Last evaluated: 2024-04-05. Review status: criteria provided, single submitter. Criteria: LabCorp Variant Classification Summary - May 2015. Collection method: clinical testing. Allele origin: germline.
Comment: Variant summary: ALDH3A2 c.234G>C (p.Trp78Cys) results in a non-conservative amino acid change located in the Aldehyde dehydrogenase domain (IPR015590) of the encoded protein sequence. Five of five in-silico tools predict a damaging effect of the variant on protein function. The variant allele was found at a frequency of 4e-06 in 251482 control chromosomes. The available data on variant occurrences in the general population are insufficient to allow any conclusion about variant significance. To our knowledge, no occurrence of c.234G>C in individuals affected with Sjogren-Larsson Syndrome and no experimental evidence demonstrating its impact on protein function have been reported. No submitters have cited clinical-significance assessments for this variant to ClinVar. Based on the evidence outlined above, the variant was classified as uncertain significance.

NM_000382.3(ALDH3A2):c.234G>C (p.Trp78Cys)

Gene: ALDH3A2 (aldehyde dehydrogenase 3 family member A2; plus strand). Cytogenetic location: 17p11.2.
Variant type: single nucleotide variant.
Coding change: c.234G>C on transcript NM_000382.3 (MANE Select); coding-DNA position 234, G replaced by C.
Protein change: p.Trp78Cys; replaces tryptophan 78 with cysteine.
Molecular consequence: missense variant. On other transcripts: 5 prime UTR variant (1).
Genome position (GRCh38, 1-based): chr17:19,651,627, G>C. VCF-style: chr17-19651627-G-C. GRCh37 (hg19) VCF-style: chr17-19554940-G-C.
Other names: c.234G>C, p.Trp78Cys (NM_001031806.2, NM_001369136.1, NM_001369137.2 and 3 more transcripts); c.-455G>C (NM_001369148.2); short protein forms W78C.
Identifiers: ClinVar variation 3251510 (VCV003251510.1), dbSNP rs759874793.